The following is an entry in ClinVar:

ClinVar aggregate classification (germline): Uncertain significance (1 of 4 stars; one submission).

Conditions:
Atrioventricular septal defect 4 (AVSD4). Identifiers: MedGen C3280781, MONDO:0013747, OMIM 614430.

Submission:

Labcorp Genetics (formerly Invitae), Labcorp
Classification: Uncertain significance for Atrioventricular septal defect 4. Last evaluated: 2025-04-22. Review status: criteria provided, single submitter. Criteria: Invitae Variant Classification Sherloc (09022015). Collection method: clinical testing. Allele origin: germline.
Comment: This sequence change replaces serine, which is neutral and polar, with phenylalanine, which is neutral and non-polar, at codon 406 of the GATA4 protein (p.Ser406Phe). This variant is not present in population databases (gnomAD no frequency). This variant has not been reported in the literature in individuals affected with GATA4-related conditions. Invitae Evidence Modeling of protein sequence and biophysical properties (such as structural, functional, and spatial information, amino acid conservation, physicochemical variation, residue mobility, and thermodynamic stability) has been performed for this missense variant. However, the output from this modeling did not meet the statistical confidence thresholds required to predict the impact of this variant on GATA4 protein function. In summary, the available evidence is currently insufficient to determine the role of this variant in disease. Therefore, it has been classified as a Variant of Uncertain Significance.

NM_001308093.3(GATA4):c.1220C>T (p.Ser407Phe)

Gene: GATA4 (GATA binding protein 4). Cytogenetic location: 8p23.1.
Variant type: single nucleotide variant.
Coding change: c.1220C>T on transcript NM_001308093.3 (MANE Select); coding-DNA position 1220, C replaced by T.
Protein change: p.Ser407Phe; replaces serine 407 with phenylalanine.
Molecular consequence: missense variant.
Genome position (GRCh38, 1-based): chr8:11,758,363, C>T. VCF-style: chr8-11758363-C-T. GRCh37 (hg19) VCF-style: chr8-11615872-C-T.
Other names: c.599C>T, p.Ser200Phe (NM_001308094.2, NM_001374273.1); c.473C>T, p.Ser158Phe (NM_001374274.1); c.1217C>T, p.Ser406Phe (NM_002052.5); short protein forms S158F, S200F, S406F, S407F.
Identifiers: ClinVar variation 4811279 (VCV004811279.1).
Genomic context (GRCh38, chr8:11,758,363, plus strand): 5'-TCAGTGCGATGTCTGGCCATGGGCCCTCCATCCACCCTGTCCTCTCGGCCCTGAAGCTCT[C>T]CCCACAAGGCTATGCGTCTCCCGTCAGCCAGTCTCCACAGACCAGCTCCAAGCAGGACTC-3'
Protein context (NP_001295022.1, residues 397-417): IHPVLSALKL[Ser407Phe]PQGYASPVSQ